The following is an entry in ClinVar:

ClinVar aggregate classification (germline): Pathogenic (1 of 4 stars; one submission).

Conditions:
Griscelli syndrome type 2 (GS2). Also called: GRISCELLI SYNDROME WITH HEMOPHAGOCYTIC SYNDROME; PAID SYNDROME; PARTIAL ALBINISM AND IMMUNODEFICIENCY SYNDROME. Identifiers: Orphanet 381, Orphanet 79477, MedGen C1868679, MONDO:0011872, OMIM 607624.

Submission:

Labcorp Genetics (formerly Invitae), Labcorp
Classification: Pathogenic for Griscelli syndrome type 2. Last evaluated: 2023-01-10. Review status: criteria provided, single submitter. Criteria: Invitae Variant Classification Sherloc (09022015). Collection method: clinical testing. Allele origin: unknown.
Comment: For these reasons, this variant has been classified as Pathogenic. A similar copy number variant has been observed in individual(s) with Griscelli syndrome (PMID: 10835631). This variant is a gross deletion of the genomic region encompassing exon(s) 3-4 of the RAB27A gene. This deletion is out-of-frame, and is expected to create a premature termination codon and result in an absent or disrupted protein product. Loss-of-function variants in RAB27A are known to be pathogenic (PMID: 10835631, 23160464).

Literature cited by the submitters: PubMed 10835631; PubMed 23160464.

NC_000015.9:g.(?_55520787)_(55522704_?)del

Gene: RAB27A (RAB27A, member RAS oncogene family; minus strand). Cytogenetic location: 15q21.3.
Variant type: Deletion.
Identifiers: ClinVar variation 3243802 (VCV003243802.1).